The following is an entry in ClinVar:

NM_144573.4(NEXN):c.687+4A>T

Gene: NEXN (nexilin F-actin binding protein; plus strand). Cytogenetic location: 1p31.1.
Variant type: single nucleotide variant.
Coding change: c.687+4A>T on transcript NM_144573.4 (MANE Select); 4 bases into the intron after coding-DNA position 687, A replaced by T.
Molecular consequence: intron variant.
Genome position (GRCh38, 1-based): chr1:77,926,615, A>T. VCF-style: chr1-77926615-A-T. GRCh37 (hg19) VCF-style: chr1-78392300-A-T.
Other names: c.495+4A>T (NM_001172309.2).
Identifiers: ClinVar variation 241866 (VCV000241866.21), dbSNP rs754061340, ClinGen allele CA918702.

ClinVar aggregate classification (germline): Conflicting classifications of pathogenicity. Review status: criteria provided, conflicting classifications (1 of 4 stars). 7 submissions from 7 submitters: Uncertain significance (6); Likely benign (1). Last evaluated 2025-12-14.

Conditions:
Cardiovascular phenotype. Identifiers: MedGen CN230736.
Hypertrophic cardiomyopathy 20. Identifiers: MedGen C3151267, MONDO:0013477, OMIM 613876.
Dilated cardiomyopathy 1CC (CMD1CC). Identifiers: Orphanet 154, MedGen C2751084, MONDO:0013147, OMIM 613122.
Cardiomyopathy (CMYO). Also called: Cardiomyopathies. Identifiers: Orphanet 167848, MedGen C0878544, MONDO:0004994, HP:0001638. Inheritance: Various modes of inheritance.

Allele frequency attached by ClinVar (database versions not stated): gnomAD 0.00006; TOPMed 0.00016.
gnomAD v4.1: 85 of 1,613,786 alleles (0.0053%); highest among the groups gnomAD compares: Admixed American, 0.013%; no homozygotes.

Submissions (9):

Labcorp Genetics (formerly Invitae), Labcorp
Classification: Uncertain significance for Dilated cardiomyopathy 1CC; Hypertrophic cardiomyopathy 20. Last evaluated: 2025-12-14. Review status: criteria provided, single submitter. Criteria: Invitae Variant Classification Sherloc (09022015). Collection method: clinical testing. Allele origin: germline.
Comment: This sequence change falls in intron 7 of the NEXN gene. It does not directly change the encoded amino acid sequence of the NEXN protein. It affects a nucleotide within the consensus splice site. This variant is present in population databases (rs754061340, gnomAD 0.009%). This variant has been observed in individual(s) with sudden cardiac arrest (PMID: 30403391). ClinVar contains an entry for this variant (Variation ID: 241866). Variants that disrupt the consensus splice site are a relatively common cause of aberrant splicing (PMID: 17576681, 9536098). Algorithms developed to predict the effect of sequence changes on RNA splicing suggest that this variant may disrupt the consensus splice site. In summary, the available evidence is currently insufficient to determine the role of this variant in disease. Therefore, it has been classified as a Variant of Uncertain Significance.

GeneDx
Classification: Uncertain significance. Last evaluated: 2025-07-17. Review status: criteria provided, single submitter. Criteria: GeneDx Variant Classification Process June 2021. Collection method: clinical testing. Allele origin: germline. Affected: yes.
Comment: Reported in a patient with sudden cardiac arrest; however, this patient was found to harbor an additional cardiogenetic variant (PMID: 30403391); In silico analysis suggests that this variant does not alter splicing; This variant is associated with the following publications: (PMID: 30403391)

Women's Health and Genetics/Laboratory Corporation of America, LabCorp
Classification: Uncertain significance. Last evaluated: 2025-05-05. Review status: criteria provided, single submitter. Criteria: LabCorp Variant Classification Summary - May 2015. Collection method: clinical testing. Allele origin: germline.
Comment: Variant summary: NEXN c.687+4A>T alters a non-conserved nucleotide located close to a canonical splice site and therefore could affect mRNA splicing, leading to a significantly altered protein sequence. Several computational tools predict a significant impact on normal splicing: Two predict the variant abolishes the canonical 5' splicing donor site. One predicts the variant weakens the canonical 5' donor site. However, these predictions have yet to be confirmed by functional studies. The variant allele was found at a frequency of 6e-05 in 249284 control chromosomes. The observed variant frequency is approximately 2-fold of the estimated maximal expected allele frequency for a pathogenic variant in NEXN causing Cardiomyopathy phenotype (2.5e-05). c.687+4A>T has been observed in an individual affected with sudden cardiac arrest (Stepien-Wojno_2018). This report does not provide unequivocal conclusions about association of the variant with Cardiomyopathy. To our knowledge, no experimental evidence demonstrating an impact on protein function has been reported. The following publication has been ascertained in the context of this evaluation (PMID: 30403391). ClinVar contains an entry for this variant (Variation ID: 241866). Based on the evidence outlined above, the variant was classified as uncertain significance.

Blueprint Genetics
Classification: Likely benign. Last evaluated: 2024-10-30. Review status: criteria provided, single submitter. Criteria: ACMG Guidelines, 2015. Collection method: clinical testing. Allele origin: germline.

Ambry Genetics
Classification: Uncertain significance for Cardiovascular phenotype. Last evaluated: 2023-03-29. Review status: criteria provided, single submitter. Criteria: Ambry Variant Classification Scheme 2023. Collection method: clinical testing. Allele origin: germline.
Comment: The c.687+4A>T intronic variant results from an A to T substitution 4 nucleotides after coding exon 6 in the NEXN gene. This variant was reported in a sudden cardiac arrest case with an additional cardiac variant in AKAP9 also detected (Stpie-Wojno M et al. Pol Arch Intern Med, 2018 12;128:721-730). This nucleotide position is well conserved in available vertebrate species. In silico splice site analysis for this alteration is inconclusive. Since supporting evidence is limited at this time, the clinical significance of this alteration remains unclear.

Fulgent Genetics
Classification: Uncertain significance for Dilated cardiomyopathy 1CC; Hypertrophic cardiomyopathy 20. Last evaluated: 2021-09-21. Review status: criteria provided, single submitter. Criteria: ACMG Guidelines, 2015. Collection method: clinical testing. Allele origin: unknown.

CHEO Genetics Diagnostic Laboratory, Children's Hospital of Eastern Ontario
Classification: Uncertain significance for Cardiomyopathy. Last evaluated: 2019-08-07. Review status: criteria provided, single submitter. Criteria: ACMG Guidelines, 2015. Collection method: clinical testing. Allele origin: germline.

Dr. Peter K. Rogan Lab, Western University
No classification provided (evidence only). Condition: Colon adenocarcinoma. Review status: no classification provided. Collection method: in vitro. Allele origin: not applicable. Functional consequence: retained intron. Not counted in ClinVar's aggregate classification.

Dr. Peter K. Rogan Lab, Western University
No classification provided (evidence only). Condition: Gastric cancer. Review status: no classification provided. Collection method: in vitro. Allele origin: not applicable. Functional consequence: retained intron. Not counted in ClinVar's aggregate classification.

Literature cited by the submitters: PubMed 30403391 (cited by 3 submitters); PubMed 17576681 (cited by Labcorp Genetics (formerly Invitae), Labcorp); PubMed 9536098 (cited by Labcorp Genetics (formerly Invitae), Labcorp).